The following is an entry in ClinVar:

NM_000340.2(SLC2A2):c.158G>A (p.Arg53Gln)

Gene: SLC2A2 (solute carrier family 2 member 2; minus strand). Cytogenetic location: 3q26.2.
Variant type: single nucleotide variant.
Coding change: c.158G>A on transcript NM_000340.2 (MANE Select); coding-DNA position 158, G replaced by A.
Protein change: p.Arg53Gln; replaces arginine 53 with glutamine.
Molecular consequence: missense variant. On other transcripts: 5 prime UTR variant (1), intron variant (1).
Genome position (GRCh38, 1-based): chr3:171,014,682, C>T on the plus strand (G>A on the coding strand, the complement: SLC2A2 is on the minus strand). VCF-style: chr3-171014682-C-T. GRCh37 (hg19) VCF-style: chr3-170732471-C-T.
Other names: p.Arg53Gln; c.-237G>A (NM_001278659.2); c.14+3849G>A (NM_001278658.2); short protein forms R53Q.
Identifiers: ClinVar variation 426982 (VCV000426982.20), dbSNP rs145210664, ClinGen allele CA2702747.

ClinVar aggregate classification (germline): Conflicting classifications of pathogenicity. Review status: criteria provided, conflicting classifications (1 of 4 stars). 7 submissions from 7 submitters: Uncertain significance (5); Likely benign (2). Last evaluated 2026-05-28.

Conditions:
SLC2A2-related disorder. Also called: SLC2A2-related condition.
Fanconi-Bickel syndrome (FBS). Also called: PSEUDO-PHLORIZIN DIABETES; FANCONI SYNDROME WITH INTESTINAL MALABSORPTION AND GALACTOSE INTOLERANCE; HEPATIC GLYCOGENOSIS WITH AMINO ACIDURIA AND GLUCOSURIA; HEPATIC GLYCOGENOSIS WITH FANCONI NEPHROPATHY; HEPATORENAL GLYCOGENOSIS WITH RENAL FANCONI SYNDROME; Glycogen storage disease due to GLUT2 deficiency. Identifiers: Orphanet 2088, MedGen C3495427, MONDO:0009216, OMIM 227810.
Type 2 diabetes mellitus. Also called: Type II diabetes mellitus. Identifiers: MedGen C0011860, MeSH D003924, MONDO:0005148, OMIM 125853, HP:0005978.

Allele frequency attached by ClinVar (database versions not stated): 1000 Genomes Project 30x 0.00016; 1000 Genomes Project 0.00020; ESP Exome Variant Server 0.00031; ExAC 0.00061; gnomAD exomes 0.00068 and 0.00079; gnomAD 0.00074 and 0.00076; TOPMed 0.00083.
gnomAD v4.1: 1,261 of 1,613,852 alleles (0.078%); highest among the groups gnomAD compares: Non-Finnish European, 0.094%; 1 homozygote.

Submissions (7):

PreventionGenetics, part of Exact Sciences
Classification: Uncertain significance for SLC2A2-related condition. Last evaluated: 2026-05-28. Review status: criteria provided, single submitter. Criteria: ACMG Guidelines, 2015. Collection method: clinical testing. Allele origin: germline.
Comment: The SLC2A2 c.158G>A variant is predicted to result in the amino acid substitution p.Arg53Gln. This variant has been reported in one patient with type 1 diabetes (reported as p.Arg53Gln, Yu et al. 2019. PubMed ID: 31264968). This variant is reported in 0.11% of alleles in individuals of European (Non-Finnish) descent in gnomAD. At this time, the clinical significance of this variant is uncertain due to the absence of conclusive functional and genetic evidence.

Labcorp Genetics (formerly Invitae), Labcorp
Classification: Likely benign for Fanconi-Bickel syndrome. Last evaluated: 2026-01-23. Review status: criteria provided, single submitter. Criteria: Invitae Variant Classification Sherloc (09022015). Collection method: clinical testing. Allele origin: germline.

Mayo Clinic Laboratories, Mayo Clinic
Classification: Likely benign. Last evaluated: 2025-01-17. Review status: criteria provided, single submitter. Criteria: ACMG Guidelines, 2015. Collection method: clinical testing. Allele origin: germline. Observed: 2 variant alleles.
Comment: BS1, BP4

New York Genome Center
Classification: Uncertain significance for Type 2 diabetes mellitus. Last evaluated: 2021-10-26. Review status: criteria provided, single submitter. Criteria: NYGC Assertion Criteria 2020. Collection method: clinical testing. Allele origin: germline. Observed: 1 heterozygote.

Fulgent Genetics
Classification: Uncertain significance for Type 2 diabetes mellitus; Fanconi-Bickel syndrome. Last evaluated: 2018-10-31. Review status: criteria provided, single submitter. Criteria: ACMG Guidelines, 2015. Collection method: clinical testing. Allele origin: unknown.

GeneDx
Classification: Uncertain significance. Last evaluated: 2018-04-16. Review status: criteria provided, single submitter. Criteria: GeneDx Variant Classification (06012015). Collection method: clinical testing. Allele origin: germline. Affected: yes.
Comment: The R53Q variant in the SLC2A2 gene has not been reported previously as a pathogenic variant, nor as a benign variant, to our knowledge. The R53Q variant is not observed at a significant frequency in large population cohorts (Lek et al., 2016; 1000 Genomes Consortium et al., 2015; Exome Variant Server). The R53Q variant is a semi-conservative amino acid substitution, which may impact secondary protein structure as these residues differ in some properties. This substitution occurs at a position that is not conserved. In silico analysis is inconsistent in its predictions as to whether or not the variant is damaging to the protein structure/function. We interpret R53Q as a variant of uncertain significance.

Illumina Laboratory Services, Illumina
Classification: Uncertain significance for Fanconi-Bickel syndrome. Last evaluated: 2018-01-13. Review status: criteria provided, single submitter. Criteria: ICSL Variant Classification Criteria 13 December 2019. Collection method: clinical testing. Allele origin: germline.